The following is an entry in ClinVar:

NM_000297.4(PKD2):c.2020-14T>C

Gene: PKD2 (polycystin 2, transient receptor potential cation channel; plus strand). Cytogenetic location: 4q22.1.
Variant type: single nucleotide variant.
Coding change: c.2020-14T>C on transcript NM_000297.4 (MANE Select); 14 bases into the intron before coding-DNA position 2020, T replaced by C.
Molecular consequence: intron variant.
Genome position (GRCh38, 1-based): chr4:88,061,892, T>C. VCF-style: chr4-88061892-T-C. GRCh37 (hg19) VCF-style: chr4-88983044-T-C.
Identifiers: ClinVar variation 997238 (VCV000997238.2), dbSNP rs1164629640, ClinGen allele CA552869287.
Genomic context (GRCh38, chr4:88,061,892, plus strand): 5'-TGTCATTTTTTTGATTGATAATTCCAAATTATGTTTCTTCCTTTAATTTTTGCCCTCCTT[T>C]CATTTACAAACAGAATATGTTTTTGGCTATCATCAATGATACTTACTCTGAAGTGAAATC-3'

ClinVar aggregate classification (germline): Likely benign. Review status: criteria provided, single submitter (1 of 4 stars). 2 submissions from 2 submitters: Likely benign (1). 1 of the submissions does not count toward it. Last evaluated 2024-09-02.

Conditions:
Polycystic kidney disease. Also called: Kidney, Polycystic; Polycystic kidney dysplasia. Identifiers: MedGen C0022680, MeSH D007690, MONDO:0020642, HP:0000113.

Allele frequency attached by ClinVar (database versions not stated): gnomAD 0.00001; gnomAD exomes 0.00001; TOPMed 0.00001.
gnomAD v4.1: 12 of 1,298,590 alleles (0.00092%); highest among the groups gnomAD compares: Non-Finnish European, 0.0013%; no homozygotes.

Submissions (2):

Blueprint Genetics
Classification: Likely benign. Last evaluated: 2024-09-02. Review status: criteria provided, single submitter. Criteria: ACMG Guidelines, 2015. Collection method: clinical testing. Allele origin: germline.

Department of Pathology and Laboratory Medicine, Sinai Health System
Classification: Likely benign for Polycystic Kidney disease. Review status: no assertion criteria provided. Collection method: clinical testing. Allele origin: unknown. Affected: yes. Observed: 1 variant allele. Study: The Canadian Open Genetics Repository (COGR). Not counted in ClinVar's aggregate classification.
Comment: The PKD2 c.2020-14T>C variant was not identified in the literature nor was it identified in the dbSNP, ClinVar, GeneInsight-COGR, LOVD 3.0, ADPKD Mutation Database, or PKD1-LOVD, databases. The variant was not identified in the following control databases: the Exome Aggregation Consortium (August 8th 2016), or the Genome Aggregation Database (Feb 27, 2017). The variant occurs outside of the splicing consensus sequence and in silico or computational prediction software programs (SpliceSiteFinder, MaxEntScan, NNSPLICE, GeneSplicer) do not predict a difference in splicing. In summary, based on the above information the clinical significance of this variant cannot be determined with certainty at this time although we would lean towards a more benign role for this variant. This variant is classified as likely benign.